The following is an entry in ClinVar:

NM_013382.7(POMT2):c.1018G>A (p.Gly340Ser)

Gene: POMT2 (protein O-mannosyltransferase 2; minus strand). Cytogenetic location: 14q24.3.
Variant type: single nucleotide variant.
Coding change: c.1018G>A on transcript NM_013382.7 (MANE Select); coding-DNA position 1018, G replaced by A.
Protein change: p.Gly340Ser; replaces glycine 340 with serine.
Molecular consequence: missense variant.
Genome position (GRCh38, 1-based): chr14:77,296,262, C>T on the plus strand (G>A on the coding strand, the complement: POMT2 is on the minus strand). VCF-style: chr14-77296262-C-T. GRCh37 (hg19) VCF-style: chr14-77762605-C-T.
Other names: short protein forms G340S.
Identifiers: ClinVar variation 1397350 (VCV001397350.5), dbSNP rs778014493, ClinGen allele CA7286009.

ClinVar aggregate classification (germline): Uncertain significance (1 of 4 stars; one submission).

Conditions:
Muscular dystrophy-dystroglycanopathy (congenital with brain and eye anomalies), type A2. Also called: MUSCULAR DYSTROPHY-DYSTROGLYCANOPATHY (CONGENITAL WITH BRAIN AND EYE ANOMALIES), TYPE A, 2; WALKER-WARBURG SYNDROME OR MUSCLE-EYE-BRAIN DISEASE, POMT2-RELATED. Identifiers: Orphanet 588, Orphanet 899, MedGen C3150411, MONDO:0013154, OMIM 613150.
Autosomal recessive limb-girdle muscular dystrophy type 2N. Also called: MUSCULAR DYSTROPHY-DYSTROGLYCANOPATHY, LIMB-GIRDLE, POMT2-RELATED; Muscular dystrophy-dystroglycanopathy (limb-girdle), type C, 2. Identifiers: Orphanet 206559, MedGen C3150418, MONDO:0013162, OMIM 613158.
Muscular dystrophy-dystroglycanopathy (congenital with impaired intellectual development), type B, 2. Also called: MUSCULAR DYSTROPHY, CONGENITAL, POMT2-RELATED; Muscular dystrophy-dystroglycanopathy (congenital with intellectual disability), type B2. Identifiers: MedGen C3150416, MONDO:0013160, OMIM 613156.

Allele frequency attached by ClinVar (database versions not stated): gnomAD 0.00003 and 0.00002; TOPMed 0.00001; gnomAD exomes 0.00004 and 0.00003; ExAC 0.00007.
gnomAD v4.1: 58 of 1,601,598 alleles (0.0036%); highest among the groups gnomAD compares: Middle Eastern, 0.016%; no homozygotes.

Submission:

Labcorp Genetics (formerly Invitae), Labcorp
Classification: Uncertain significance for Muscular dystrophy-dystroglycanopathy (congenital with impaired intellectual development), type B, 2; Muscular dystrophy-dystroglycanopathy (congenital with brain and eye anomalies), type A2; Autosomal recessive limb-girdle muscular dystrophy type 2N. Last evaluated: 2022-09-13. Review status: criteria provided, single submitter. Criteria: Invitae Variant Classification Sherloc (09022015). Collection method: clinical testing. Allele origin: germline.
Comment: This sequence change replaces glycine, which is neutral and non-polar, with serine, which is neutral and polar, at codon 340 of the POMT2 protein (p.Gly340Ser). The frequency data for this variant in the population databases is considered unreliable, as metrics indicate poor data quality at this position in the gnomAD database. This variant has not been reported in the literature in individuals affected with POMT2-related conditions. ClinVar contains an entry for this variant (Variation ID: 1397350). Algorithms developed to predict the effect of missense changes on protein structure and function (SIFT, PolyPhen-2, Align-GVGD) all suggest that this variant is likely to be disruptive. Algorithms developed to predict the effect of sequence changes on RNA splicing suggest that this variant may create or strengthen a splice site. In summary, the available evidence is currently insufficient to determine the role of this variant in disease. Therefore, it has been classified as a Variant of Uncertain Significance.